The following is an entry in ClinVar:

NM_002857.4(PEX19):c.469A>G (p.Met157Val)

Gene: PEX19 (peroxisomal biogenesis factor 19; minus strand). Cytogenetic location: 1q23.2.
Variant type: single nucleotide variant.
Coding change: c.469A>G on transcript NM_002857.4 (MANE Select); coding-DNA position 469, A replaced by G.
Protein change: p.Met157Val; replaces methionine 157 with valine.
Molecular consequence: missense variant. On other transcripts: non-coding transcript variant (2).
Genome position (GRCh38, 1-based): chr1:160,282,164, T>C on the plus strand (A>G on the coding strand, the complement: PEX19 is on the minus strand). VCF-style: chr1-160282164-T-C. GRCh37 (hg19) VCF-style: chr1-160251954-T-C.
Other names: c.469A>G, p.Met157Val (NM_001193644.1); short protein forms M157V.
Identifiers: ClinVar variation 3341397 (VCV003341397.4).

ClinVar aggregate classification (germline): Uncertain significance (1 of 4 stars; one submission).

Conditions:
Peroxisome biogenesis disorder 12A (Zellweger). Also called: Peroxisome biogenesis disorder 12A. Identifiers: Orphanet 912, MedGen C3554002, MONDO:0013951, OMIM 614886.

Submission:

Neuberg Centre For Genomic Medicine, NCGM
Classification: Uncertain significance for Peroxisome biogenesis disorder 12A (Zellweger). Last evaluated: 2023-06-02. Review status: criteria provided, single submitter. Criteria: ACMG Guidelines, 2015. Collection method: clinical testing. Allele origin: germline. Inheritance: Autosomal recessive inheritance. Affected: yes.
Comment: The observed missense c.469A>G(p.Met157Val) variant in PEX19 gene has not been reported previously as a pathogenic variant nor a benign variant, to our knowledge. The p.Met157Val variant is absent in gnomAD Exomes. This variant has not been submitted to the ClinVar database. Computational evidences (Polyphen - Benign, SIFT - Tolerated and MutationTaster - Disease causing) predict conflicting evidence on protein structure and function for this variant. The amino acid change p.Met157Val in PEX19 is predicted as conserved by GERP++ and PhyloP across 100 vertebrates. The amino acid Met at position 157 is changed to a Val changing protein sequence and it might alter its composition and physico-chemical properties. For these reasons, this variant has been classified as a Variant of Uncertain Significance (VUS).